The following is an entry in ClinVar:

NM_001363711.2(DUOX2):c.4543T>C (p.Phe1515Leu)

Gene: DUOX2 (dual oxidase 2; minus strand). Cytogenetic location: 15q21.1.
Variant type: single nucleotide variant.
Coding change: c.4543T>C on transcript NM_001363711.2 (MANE Select); coding-DNA position 4543, T replaced by C.
Protein change: p.Phe1515Leu; replaces phenylalanine 1515 with leucine.
Molecular consequence: missense variant.
Genome position (GRCh38, 1-based): chr15:45,094,254, A>G on the plus strand (T>C on the coding strand, the complement: DUOX2 is on the minus strand). VCF-style: chr15-45094254-A-G. GRCh37 (hg19) VCF-style: chr15-45386452-A-G.
Other names: c.4543T>C, p.Phe1515Leu (NM_014080.5); short protein forms F1515L.
Identifiers: ClinVar variation 1986674 (VCV001986674.5), dbSNP rs755249989, ClinGen allele CA7537470.

ClinVar aggregate classification (germline): Uncertain significance. Review status: criteria provided, multiple submitters, no conflicts (2 of 4 stars). 2 submissions from 2 submitters: Uncertain significance (2). Last evaluated 2025-08-22.

Conditions:
Inborn genetic diseases. Identifiers: MedGen C0950123, MeSH D030342.

Allele frequency attached by ClinVar (database versions not stated): gnomAD 0.00001; gnomAD exomes 0.00001; ExAC 0.00002; TOPMed 0.00002.
gnomAD v4.1: 20 of 1,613,980 alleles (0.0012%); highest among the groups gnomAD compares: Admixed American, 0.005%; no homozygotes.

Submissions (2):

Labcorp Genetics (formerly Invitae), Labcorp
Classification: Uncertain significance. Last evaluated: 2025-08-22. Review status: criteria provided, single submitter. Criteria: Invitae Variant Classification Sherloc (09022015). Collection method: clinical testing. Allele origin: germline.
Comment: This sequence change replaces phenylalanine, which is neutral and non-polar, with leucine, which is neutral and non-polar, at codon 1515 of the DUOX2 protein (p.Phe1515Leu). This variant is present in population databases (rs755249989, gnomAD 0.006%). This variant has not been reported in the literature in individuals affected with DUOX2-related conditions. ClinVar contains an entry for this variant (Variation ID: 1986674). Invitae Evidence Modeling of protein sequence and biophysical properties (such as structural, functional, and spatial information, amino acid conservation, physicochemical variation, residue mobility, and thermodynamic stability) indicates that this missense variant is expected to disrupt DUOX2 protein function with a positive predictive value of 95%. In summary, the available evidence is currently insufficient to determine the role of this variant in disease. Therefore, it has been classified as a Variant of Uncertain Significance.

Ambry Genetics
Classification: Uncertain significance for Inborn genetic diseases. Last evaluated: 2022-07-27. Review status: criteria provided, single submitter. Criteria: Ambry Variant Classification Scheme 2023. Collection method: clinical testing. Allele origin: germline.